The following is an entry in ClinVar:

NM_022166.4(XYLT1):c.1310C>T (p.Ala437Val)

Gene: XYLT1 (xylosyltransferase 1; minus strand). Cytogenetic location: 16p12.3.
Variant type: single nucleotide variant.
Coding change: c.1310C>T on transcript NM_022166.4 (MANE Select); coding-DNA position 1310, C replaced by T.
Protein change: p.Ala437Val; replaces alanine 437 with valine.
Molecular consequence: missense variant.
Genome position (GRCh38, 1-based): chr16:17,158,889, G>A on the plus strand (C>T on the coding strand, the complement: XYLT1 is on the minus strand). VCF-style: chr16-17158889-G-A. GRCh37 (hg19) VCF-style: chr16-17252746-G-A.
Other names: short protein forms A437V.
Identifiers: ClinVar variation 1063278 (VCV001063278.8), dbSNP rs192917273, ClinGen allele CA7927948.

ClinVar aggregate classification (germline): Uncertain significance (1 of 4 stars; one submission).

Conditions:
Desbuquois dysplasia 1 (DBQD1). Also called: MICROMELIC DWARFISM WITH VERTEBRAL AND METAPHYSEAL ABNORMALITIES AND ADVANCED CARPOTARSAL OSSIFICATION; DESBUQUOIS DYSPLASIA 1, KIM VARIANT. Identifiers: Orphanet 1425, MedGen C4012146, MONDO:0009629, OMIM 251450.

Allele frequency attached by ClinVar (database versions not stated): gnomAD 0.00001 and 0.00005; gnomAD exomes 0.00006; 1000 Genomes Project 30x 0.00031; 1000 Genomes Project 0.00040.
gnomAD v4.1: 101 of 1,614,020 alleles (0.0063%); highest among the groups gnomAD compares: East Asian, 0.15%; no homozygotes.

Submission:

Labcorp Genetics (formerly Invitae), Labcorp
Classification: Uncertain significance for Desbuquois dysplasia 1. Last evaluated: 2025-03-22. Review status: criteria provided, single submitter. Criteria: Invitae Variant Classification Sherloc (09022015). Collection method: clinical testing. Allele origin: germline.
Comment: This sequence change replaces alanine, which is neutral and non-polar, with valine, which is neutral and non-polar, at codon 437 of the XYLT1 protein (p.Ala437Val). This variant is present in population databases (rs192917273, gnomAD 0.06%). This variant has not been reported in the literature in individuals affected with XYLT1-related conditions. ClinVar contains an entry for this variant (Variation ID: 1063278). Invitae Evidence Modeling of protein sequence and biophysical properties (such as structural, functional, and spatial information, amino acid conservation, physicochemical variation, residue mobility, and thermodynamic stability) indicates that this missense variant is not expected to disrupt XYLT1 protein function with a negative predictive value of 80%. In summary, the available evidence is currently insufficient to determine the role of this variant in disease. Therefore, it has been classified as a Variant of Uncertain Significance.